The following is an entry in ClinVar:

ClinVar aggregate classification (germline): Uncertain significance (1 of 4 stars; one submission).

Allele frequency attached by ClinVar (database versions not stated): ExAC 0.00001; gnomAD 0.00001; TOPMed 0.00001.
gnomAD v4.1: 6 of 1,613,820 alleles (0.00037%); highest among the groups gnomAD compares: African/African-American, 0.0027%; no homozygotes.

Submission:

GeneDx
Classification: Uncertain significance. Last evaluated: 2022-07-27. Review status: criteria provided, single submitter. Criteria: GeneDx Variant Classification Process June 2021. Collection method: clinical testing. Allele origin: germline. Affected: yes.
Comment: Not observed at significant frequency in large population cohorts (gnomAD); In silico analysis supports that this missense variant does not alter protein structure/function; Has not been previously published as pathogenic or benign to our knowledge

NM_145691.4(ATPAF2):c.442G>A (p.Glu148Lys)

Gene: ATPAF2 (ATP synthase mitochondrial F1 complex assembly factor 2; minus strand). Cytogenetic location: 17p11.2.
Variant type: single nucleotide variant.
Coding change: c.442G>A on transcript NM_145691.4 (MANE Select); coding-DNA position 442, G replaced by A.
Protein change: p.Glu148Lys; replaces glutamic acid 148 with lysine.
Molecular consequence: missense variant.
Genome position (GRCh38, 1-based): chr17:18,024,685, C>T on the plus strand (G>A on the coding strand, the complement: ATPAF2 is on the minus strand). VCF-style: chr17-18024685-C-T. GRCh37 (hg19) VCF-style: chr17-17927999-C-T.
Other names: short protein forms E148K.
Identifiers: ClinVar variation 2412850 (VCV002412850.3), dbSNP rs777247426, ClinGen allele CA8421861.
Genomic context (GRCh38, chr17:18,024,685, plus strand): 5'-TTTTCTCAGCCCATTCGATGATTGGATCCCACTCATTCCTTTGAAGTTCCACTAATGTCT[C>T]GGGCTCCTCCACCCTGTAGCTAATTCATTGTAAAAATAACCTTCATTAATAAAAAAGTAC-3'
Protein context (NP_663729.1, residues 138-158): DTICYRVEEP[Glu148Lys]TLVELQRNEW